The following is an entry in ClinVar:

NM_021964.3(ZNF148):c.460-9_460-8dup

Gene: ZNF148 (zinc finger protein 148; minus strand). Cytogenetic location: 3q21.2.
Variant type: Duplication.
Coding change: c.460-9_460-8dup on transcript NM_021964.3 (MANE Select); 9 bases into the intron before coding-DNA position 460 through 8 bases into the intron before coding-DNA position 460, 2 bases duplicated (TT; older notation c.460-9_460-8dupTT).
Molecular consequence: intron variant.
Genome position (GRCh38, 1-based): chr3:125,279,255-125,279,256, AA duplicated on the plus strand (TT on the coding strand, the reverse complement: ZNF148 is on the minus strand); duplicating any 2 consecutive bases within chr3:125,279,255-125,279,265 gives the same sequence; the c. name uses the placement nearest the transcript's 3' end. VCF-style (leftmost placement, unchanged base first): chr3-125279254-C-CAA. GRCh37 (hg19) VCF-style: chr3-124998098-C-CAA.
Other names: c.460-9_460-8dup (NM_001348426.2, NM_001348431.2, NM_001348428.2 and 8 more transcripts); c.334-9_334-8dup (NM_001348434.2).
Identifiers: ClinVar variation 3055455 (VCV003055455.2), dbSNP rs10665336, ClinGen allele CA2585384.

ClinVar aggregate classification (germline): Benign (0 of 4 stars; one submission).

Conditions:
ZNF148-related disorder. Also called: ZNF148-related condition.

Submission:

PreventionGenetics, part of Exact Sciences
Classification: Benign for ZNF148-related condition. Last evaluated: 2020-03-17. Review status: no assertion criteria provided. Collection method: clinical testing. Allele origin: germline.
Comment: This variant is classified as benign based on ACMG/AMP sequence variant interpretation guidelines (Richards et al. 2015 PMID: 25741868, with internal and published modifications).